The following is an entry in ClinVar:

ClinVar aggregate classification (germline): Uncertain significance. Review status: criteria provided, multiple submitters, no conflicts (2 of 4 stars). 3 submissions from 3 submitters: Uncertain significance (3). Last evaluated 2025-04-20.

Conditions:
Gorlin syndrome. Also called: Nevoid Basal Cell Carcinoma Syndrome; Basal cell nevus syndrome. Identifiers: Orphanet 377, MedGen C0004779, MONDO:0007187.
Hereditary cancer-predisposing syndrome. Also called: Neoplastic Syndromes, Hereditary; Hereditary Cancer Syndrome; Hereditary neoplastic syndrome; Tumor predisposition. Identifiers: Orphanet 140162, MedGen C0027672, MeSH D009386, MONDO:0015356.

Allele frequency attached by ClinVar (database versions not stated): gnomAD exomes below 0.00001; gnomAD 0.00001; TOPMed 0.00001.
gnomAD v4.1: 5 of 1,614,000 alleles (0.00031%); highest among the groups gnomAD compares: South Asian, 0.0011%; no homozygotes.

Submissions (3):

Labcorp Genetics (formerly Invitae), Labcorp
Classification: Uncertain significance for Gorlin syndrome. Last evaluated: 2025-04-20. Review status: criteria provided, single submitter. Criteria: Invitae Variant Classification Sherloc (09022015). Collection method: clinical testing. Allele origin: germline.
Comment: This sequence change replaces aspartic acid, which is acidic and polar, with asparagine, which is neutral and polar, at codon 951 of the PTCH1 protein (p.Asp951Asn). This variant is not present in population databases (gnomAD no frequency). This variant has not been reported in the literature in individuals affected with PTCH1-related conditions. ClinVar contains an entry for this variant (Variation ID: 851445). Invitae Evidence Modeling of protein sequence and biophysical properties (such as structural, functional, and spatial information, amino acid conservation, physicochemical variation, residue mobility, and thermodynamic stability) has been performed for this missense variant. However, the output from this modeling did not meet the statistical confidence thresholds required to predict the impact of this variant on PTCH1 protein function. In summary, the available evidence is currently insufficient to determine the role of this variant in disease. Therefore, it has been classified as a Variant of Uncertain Significance.

Quest Diagnostics Nichols Institute San Juan Capistrano
Classification: Uncertain significance. Last evaluated: 2025-02-06. Review status: criteria provided, single submitter. Criteria: Quest Diagnostics criteria. Collection method: clinical testing. Allele origin: unknown.
Comment: The PTCH1 c.2851G>A (p.Asp951Asn) variant has not been reported in individuals with PTCH1-related conditions in the published literature. The frequency of this variant in the general population (Genome Aggregation Database) is uninformative in the assessment of its pathogenicity. Analysis of this variant using bioinformatics tools for the prediction of the effect of amino acid changes on protein structure and function yielded conflicting predictions that this variant is deleterious or benign. Based on the available information, we are unable to determine the clinical significance of this variant.

Ambry Genetics
Classification: Uncertain significance for Hereditary cancer-predisposing syndrome. Last evaluated: 2024-08-06. Review status: criteria provided, single submitter. Criteria: Ambry Variant Classification Scheme 2023. Collection method: clinical testing. Allele origin: germline.
Comment: The p.D951N variant (also known as c.2851G>A), located in coding exon 17 of the PTCH1 gene, results from a G to A substitution at nucleotide position 2851. The aspartic acid at codon 951 is replaced by asparagine, an amino acid with highly similar properties. This amino acid position is highly conserved in available vertebrate species. In addition, this alteration is predicted to be tolerated by in silico analysis. Since supporting evidence is limited at this time, the clinical significance of this alteration remains unclear.

NM_000264.5(PTCH1):c.2851G>A (p.Asp951Asn)

Gene: PTCH1 (patched 1; minus strand). Cytogenetic location: 9q22.32.
Variant type: single nucleotide variant.
Coding change: c.2851G>A on transcript NM_000264.5 (MANE Select); coding-DNA position 2851, G replaced by A.
Protein change: p.Asp951Asn; replaces aspartic acid 951 with asparagine.
Molecular consequence: missense variant. On other transcripts: non-coding transcript variant (1).
Genome position (GRCh38, 1-based): chr9:95,459,636, C>T on the plus strand (G>A on the coding strand, the complement: PTCH1 is on the minus strand). VCF-style: chr9-95459636-C-T. GRCh37 (hg19) VCF-style: chr9-98221918-C-T.
Other names: c.2851G>A (NM_000264.4); c.2653G>A, p.Asp885Asn (NM_001083602.3); c.2848G>A, p.Asp950Asn (NM_001083603.3); c.2398G>A, p.Asp800Asn (NM_001083604.3, NM_001083605.3, NM_001083606.3 and 1 more transcripts); c.2695G>A, p.Asp899Asn (NM_001354918.2); short protein forms D951N, D899N, D800N, D885N, D950N.
Identifiers: ClinVar variation 851445 (VCV000851445.11), dbSNP rs1588544328, ClinGen allele CA374112946.
Genomic context (GRCh38, chr9:95,459,636, plus strand): 5'-ACCTCCCGATAAAACGCTACTTACTTCTCAGCCTTGTTTCAGGCATGTAGTCGGCTTTGT[C>T]GTGGACCCATTCTGGTCGGTGTGGCCGGATGTTGGCCTGGGAGGCAGCATACGCGACGGG-3'
Protein context (NP_000255.2, residues 941-961): IRPHRPEWVH[Asp951Asn]KADYMPETRL